The following is an entry in ClinVar:

NM_022166.4(XYLT1):c.2725_2727del (p.Leu909del)

Gene: XYLT1 (xylosyltransferase 1; minus strand). Cytogenetic location: 16p12.3.
Variant type: Deletion.
Coding change: c.2725_2727del on transcript NM_022166.4 (MANE Select); coding-DNA positions 2725 to 2727, 3 bases deleted (TTG; older notation c.2725_2727delTTG).
Protein change: p.Leu909del; deletes leucine 909.
Molecular consequence: inframe deletion.
Genome position (GRCh38, 1-based): chr16:17,108,848-17,108,850, CAA deleted on the plus strand (TTG on the coding strand, the reverse complement: XYLT1 is on the minus strand); deleting any 3 consecutive bases within chr16:17,108,848-17,108,851 gives the same sequence; the c. name uses the placement nearest the transcript's 3' end. VCF-style (leftmost placement, unchanged base first): chr16-17108847-CCAA-C. GRCh37 (hg19) VCF-style: chr16-17202704-CCAA-C.
Other names: short protein forms L909del.
Identifiers: ClinVar variation 2049115 (VCV002049115.4), dbSNP rs1567274987, ClinGen allele CA621663999.

ClinVar aggregate classification (germline): Uncertain significance (1 of 4 stars; one submission).

Conditions:
Desbuquois dysplasia 1 (DBQD1). Also called: DESBUQUOIS DYSPLASIA 1, KIM VARIANT; MICROMELIC DWARFISM WITH VERTEBRAL AND METAPHYSEAL ABNORMALITIES AND ADVANCED CARPOTARSAL OSSIFICATION. Identifiers: Orphanet 1425, MedGen C4012146, MONDO:0009629, OMIM 251450.

Submission:

Labcorp Genetics (formerly Invitae), Labcorp
Classification: Uncertain significance for Desbuquois dysplasia 1. Last evaluated: 2022-04-28. Review status: criteria provided, single submitter. Criteria: Invitae Variant Classification Sherloc (09022015). Collection method: clinical testing. Allele origin: germline.
Comment: In summary, the available evidence is currently insufficient to determine the role of this variant in disease. Therefore, it has been classified as a Variant of Uncertain Significance. Experimental studies and prediction algorithms are not available or were not evaluated, and the functional significance of this variant is currently unknown. This variant has not been reported in the literature in individuals affected with XYLT1-related conditions. This variant is present in population databases (no rsID available, gnomAD 0.003%). This variant, c.2725_2727del, results in the deletion of 1 amino acid(s) of the XYLT1 protein (p.Leu909del), but otherwise preserves the integrity of the reading frame.